The following is an entry in ClinVar:

NM_001099922.3(ALG13):c.2873C>T (p.Pro958Leu)

Gene: ALG13 (ALG13 UDP-N-acetylglucosaminyltransferase subunit; plus strand). Cytogenetic location: Xq23.
Variant type: single nucleotide variant.
Coding change: c.2873C>T on transcript NM_001099922.3 (MANE Select); coding-DNA position 2873, C replaced by T.
Protein change: p.Pro958Leu; replaces proline 958 with leucine.
Molecular consequence: missense variant. On other transcripts: intron variant (5).
Genome position (GRCh38, 1-based): chrX:111,744,845, C>T. VCF-style: chrX-111744845-C-T. GRCh37 (hg19) VCF-style: chrX-110988073-C-T.
Other names: c.2639C>T, p.Pro880Leu (NM_001257231.2); c.2384-7945C>T (NM_001257237.2, NM_001257234.2, NM_001257230.2); c.2210-7945C>T (NM_001324293.1); c.2696-7945C>T (NM_001324292.2); short protein forms P880L, P958L.
Identifiers: ClinVar variation 3368585 (VCV003368585.1).

ClinVar aggregate classification (germline): Uncertain significance (1 of 4 stars; one submission).

Submission:

GeneDx
Classification: Uncertain significance. Last evaluated: 2024-02-07. Review status: criteria provided, single submitter. Criteria: GeneDx Variant Classification Process June 2021. Collection method: clinical testing. Allele origin: germline. Affected: yes.
Comment: Not observed at significant frequency in large population cohorts (gnomAD); In silico analysis supports that this missense variant does not alter protein structure/function; Has not been previously published as pathogenic or benign to our knowledge